The following is an entry in ClinVar:

NM_004370.6(COL12A1):c.2354A>C (p.Asp785Ala)

Gene: COL12A1 (collagen type XII alpha 1 chain; minus strand). Cytogenetic location: 6q13.
Variant type: single nucleotide variant.
Coding change: c.2354A>C on transcript NM_004370.6 (MANE Select); coding-DNA position 2354, A replaced by C.
Protein change: p.Asp785Ala; replaces aspartic acid 785 with alanine.
Molecular consequence: missense variant. On other transcripts: intron variant (2).
Genome position (GRCh38, 1-based): chr6:75,177,746, T>G on the plus strand (A>C on the coding strand, the complement: COL12A1 is on the minus strand). VCF-style: chr6-75177746-T-G. GRCh37 (hg19) VCF-style: chr6-75887462-T-G.
Other names: c.2354A>C, p.Asp785Ala (NM_001424113.1, NM_001424114.1, NM_001424115.1); c.73+24974A>C (NM_001424116.1, NM_080645.3); short protein forms D785A.
Identifiers: ClinVar variation 4996601 (VCV004996601.1).
Genomic context (GRCh38, chr6:75,177,746, plus strand): 5'-GTTAATGGAGTACCAGGTCCTGAGAAATATTCAGGAATTACAGATACTTCATATTTCGTG[T>G]CTGGAATCAAGTTCTCCAGTGTTCTCCTCCTCTGATTGGGTGGGGTGGTAACTTCTCTGC-3'
Protein context (NP_004361.3, residues 775-795): RRRTLENLIP[Asp785Ala]TKYEVSVIPE

ClinVar aggregate classification (germline): Uncertain significance (1 of 4 stars; one submission).

Conditions:
COL12A1-related disorder. Also called: COL12A1-related condition.

Submission:

PreventionGenetics, part of Exact Sciences
Classification: Uncertain significance for COL12A1-related condition. Last evaluated: 2026-02-23. Review status: criteria provided, single submitter. Criteria: ACMG Guidelines, 2015. Collection method: clinical testing. Allele origin: germline.
Comment: The COL12A1 c.2354A>C variant is predicted to result in the amino acid substitution p.Asp785Ala. To our knowledge, this variant has not been reported in the literature or in a large population database (gnomAD), indicating this variant is rare. At this time, the clinical significance of this variant is uncertain due to the absence of conclusive functional and genetic evidence.